The following continues an entry in ClinVar:

NM_000152.5(GAA):c.1438-1G>C

Gene: GAA. ClinVar aggregate classification (germline): Pathogenic. Pathogenic (1).

Submissions 10 to 12 of 12:

Broad Center for Mendelian Genomics, Broad Institute of MIT and Harvard
Classification: Likely pathogenic for Glycogen storage disease, type II. Last evaluated: 2020-01-22. Review status: criteria provided, single submitter. Criteria: ACMG Guidelines, 2015. Collection method: curation. Allele origin: germline. Inheritance: Autosomal recessive inheritance. Not counted in ClinVar's aggregate classification.
Comment: The heterozygous c.1438-1G>C variant in GAA has been reported in at least 4 individuals (including 2 Caucasians) with Glycogen Storage Disease II (PMID: 11949932, 22538254, 24495340, 25455803), and has also been reported pathogenic by EGL and likely pathogenic by Counsyl in ClinVar (Variation ID: 189184). This variant has been identified in 0.012% (1/8698) of African chromosomes by the Genome Aggregation Database genomes (gnomAD; dbSNP rs147804176) and had low quality. However, this variant was absent from large population studies for gnomAD exomes. Although this variant has been seen in the general population, its frequency is low enough to be consistent with a recessive carrier frequency. This variant occurs in the invariant region (+/- 1/2) of the splice consensus sequence and is predicted to cause altered splicing leading to an abnormal protein. There is an in-frame cryptic splice site 15 bases from the intron-exon boundary, providing evidence that this variant may add 5 amino acids instead of causing loss of function. However, this information is not predictive enough to determine pathogenicity. Loss of function of the GAA gene is an established disease mechanism in autosomal recessive Glycogen Storage Disease II. The presence of this variant in combination with a pathogenic variant, and in individuals with Glycogen Storage Disease slightly increases the likelihood that the c.1438-1G>C variant is pathogenic (PMID: 22538254). The phenotype of two individuals heterozygous for this variant is highly specific for Glycogen Storage Disease II with abnormally low GAA activity detected in relevant tissues (PMID: 22538254, 24495340). In summary, although additional studies are required to fully establish its clinical significance, this variant is likely pathogenic. ACMG/AMP Criteria applied: PM3_supporting, PVS1_strong, PM2, PP4 (Richards 2015).

Eurofins Ntd Llc (ga)
Classification: Pathogenic. Last evaluated: 2017-05-02. Review status: criteria provided, single submitter. Criteria: EGL Classification Definitions 2015. Collection method: clinical testing. Allele origin: germline. Observed: 1 variant allele, 1 heterozygote. Not counted in ClinVar's aggregate classification.

Counsyl
Classification: Likely pathogenic for Glycogen storage disease, type II. Last evaluated: 2015-02-18. Review status: no assertion criteria provided. Collection method: literature only. Allele origin: unknown. Inheritance: Autosomal recessive inheritance. Not counted in ClinVar's aggregate classification.

Literature cited by the submitters: PubMed 22538254 (cited by 8 submitters); PubMed 25455803 (cited by 7 submitters); PubMed 27896092 (cited by ClinGen Lysosomal Storage Disorder Variant Curation Expert Panel and Natera, Inc.); PubMed 24495340 (cited by 6 submitters); PubMed 34079727 (cited by Genomenon, Inc); PubMed 33202836 (cited by Genomenon, Inc and Natera, Inc.); PubMed 31899940 (cited by Genomenon, Inc); PubMed 16199547 (cited by Labcorp Genetics (formerly Invitae), Labcorp); PubMed 18425781 (cited by Labcorp Genetics (formerly Invitae), Labcorp and Laboratory for Molecular Medicine, Mass General Brigham Personalized Medicine); PubMed 22252923 (cited by Labcorp Genetics (formerly Invitae), Labcorp); PubMed 29122469 (cited by Labcorp Genetics (formerly Invitae), Labcorp and Women's Health and Genetics/Laboratory Corporation of America, LabCorp); PubMed 31342611 (cited by Women's Health and Genetics/Laboratory Corporation of America, LabCorp); PubMed 25614309 (cited by Women's Health and Genetics/Laboratory Corporation of America, LabCorp); PubMed 11949932 (cited by 3 submitters); PubMed 21179066 (cited by Women's Health and Genetics/Laboratory Corporation of America, LabCorp).